The following is an entry in ClinVar:

ClinVar aggregate classification (germline): Likely pathogenic (1 of 4 stars; one submission).

Allele frequency attached by ClinVar (database versions not stated): gnomAD 0.00001; TOPMed 0.00002.
gnomAD v4.1: 4 of 1,613,090 alleles (0.00025%); highest among the groups gnomAD compares: Non-Finnish European, 0.00034%; no homozygotes.

Submission:

GeneDx
Classification: Likely pathogenic. Last evaluated: 2025-05-19. Review status: criteria provided, single submitter. Criteria: GeneDx Variant Classification Process June 2021. Collection method: clinical testing. Allele origin: germline. Affected: yes.
Comment: Not observed at significant frequency in large population cohorts (gnomAD); In silico analysis supports that this missense variant has a deleterious effect on protein structure/function; Has not been previously published as pathogenic or benign to our knowledge

NM_000263.4(NAGLU):c.1610T>C (p.Phe537Ser)

Gene: NAGLU (N-acetyl-alpha-glucosaminidase; plus strand). Cytogenetic location: 17q21.2.
Variant type: single nucleotide variant.
Coding change: c.1610T>C on transcript NM_000263.4 (MANE Select); coding-DNA position 1610, T replaced by C.
Protein change: p.Phe537Ser; replaces phenylalanine 537 with serine.
Molecular consequence: missense variant.
Genome position (GRCh38, 1-based): chr17:42,543,616, T>C. VCF-style: chr17-42543616-T-C. GRCh37 (hg19) VCF-style: chr17-40695634-T-C.
Other names: short protein forms F537S.
Identifiers: ClinVar variation 2135994 (VCV002135994.4), dbSNP rs1334949550, ClinGen allele CA399604282.